The following is an entry in ClinVar:

ClinVar aggregate classification (germline): Likely benign. Review status: criteria provided, multiple submitters, no conflicts (2 of 4 stars). 5 submissions from 5 submitters: Likely benign (5). Last evaluated 2026-01-19.

Conditions:
Microcephaly-intellectual disability-sensorineural hearing loss-epilepsy-abnormal muscle tone syndrome (NEDHSB). Also called: NEURODEVELOPMENTAL DISORDER WITH HEARING LOSS, SEIZURES, AND BRAIN ABNORMALITIES. Identifiers: Orphanet 457351, MedGen C4225276, MONDO:0014698, OMIM 616577.

Allele frequency attached by ClinVar (database versions not stated): gnomAD exomes 0.00005; TOPMed 0.00005; gnomAD 0.00006; ExAC 0.00008.
gnomAD v4.1: 85 of 1,608,980 alleles (0.0053%); highest among the groups gnomAD compares: Middle Eastern, 0.016%; no homozygotes.

Submissions (5):

Labcorp Genetics (formerly Invitae), Labcorp
Classification: Likely benign for Microcephaly-intellectual disability-sensorineural hearing loss-epilepsy-abnormal muscle tone syndrome. Last evaluated: 2026-01-19. Review status: criteria provided, single submitter. Criteria: Invitae Variant Classification Sherloc (09022015). Collection method: clinical testing. Allele origin: germline.

CeGaT Center for Human Genetics Tuebingen
Classification: Likely benign. Last evaluated: 2025-12-01. Review status: criteria provided, single submitter. Criteria: CeGaT Center For Human Genetics Tuebingen Variant Classification Criteria Version 2. Collection method: clinical testing. Allele origin: germline. Affected: yes. Observed: 3 variant alleles.
Comment: AFG2A: BP4, BP7

Women's Health and Genetics/Laboratory Corporation of America, LabCorp
Classification: Likely benign. Last evaluated: 2025-07-24. Review status: criteria provided, single submitter. Criteria: LabCorp Variant Classification Summary - May 2015. Collection method: clinical testing. Allele origin: germline.
Comment: Variant summary: AFG2A c.1365G>A alters a conserved nucleotide resulting in a synonymous change. Consensus agreement among computation tools predict no significant impact on normal splicing. However, these predictions have yet to be confirmed by functional studies. The variant allele was found at a frequency of 5e-05 in 279810 control chromosomes. This frequency is not significantly higher than estimated for a pathogenic variant in AFG2A causing Epilepsy, Hearing Loss, And Mental Retardation Syndrome, allowing no conclusion about variant significance. To our knowledge, no occurrence of c.1365G>A in individuals affected with Epilepsy, Hearing Loss, And Mental Retardation Syndrome and no experimental evidence demonstrating its impact on protein function have been reported. ClinVar contains an entry for this variant (Variation ID: 542393). Based on the evidence outlined above, the variant was classified as likely benign.

Blueprint Genetics
Classification: Likely benign. Last evaluated: 2024-11-23. Review status: criteria provided, single submitter. Criteria: ACMG Guidelines, 2015. Collection method: clinical testing. Allele origin: germline.

GeneDx
Classification: Likely benign. Last evaluated: 2021-04-27. Review status: criteria provided, single submitter. Criteria: GeneDx Variant Classification Process June 2021. Collection method: clinical testing. Allele origin: germline. Affected: yes.

NM_145207.3(AFG2A):c.1365G>A (p.Leu455=)

Gene: AFG2A (AAA ATPase AFG2A; plus strand). Cytogenetic location: 4q28.1.
Variant type: single nucleotide variant.
Coding change: c.1365G>A on transcript NM_145207.3 (MANE Select); coding-DNA position 1365, G replaced by A.
Protein change: p.Leu455=; no amino-acid change (leucine 455 retained).
Molecular consequence: synonymous variant.
Genome position (GRCh38, 1-based): chr4:122,938,156, G>A. VCF-style: chr4-122938156-G-A. GRCh37 (hg19) VCF-style: chr4-123859311-G-A.
Other names: c.1362G>A, p.Leu454= (NM_001317799.2, NM_001345856.2).
Identifiers: ClinVar variation 542393 (VCV000542393.34), dbSNP rs767423681, ClinGen allele CA3070444.
Genomic context (GRCh38, chr4:122,938,156, plus strand): 5'-AGAGATTTCATTTTACTTGTTTGTTTTTAGACACCCATCAATTATTTTTATTGATGAGCT[G>A]GATGCACTTTGTCCGAAAAGAGAGGGGGCCCAGAATGAAGTGGAAAAAAGAGTTGTGGCT-3'
Protein context (NP_660208.2, residues 445-465): RHPSIIFIDE[Leu455=]DALCPKREGA